The following is an entry in ClinVar:

ClinVar aggregate classification (germline): Uncertain significance (1 of 4 stars; one submission).

Conditions:
Hereditary breast ovarian cancer syndrome. Also called: Hereditary breast and ovarian cancer syndrome; Hereditary breast and ovarian cancer syndrome (HBOC); BRCA1- and BRCA2-Associated Hereditary Breast and Ovarian Cancer; Hereditary breast and ovarian cancer; Breast and ovarian cancer; Hereditary breast and/or ovarian cancer syndrome. Identifiers: Orphanet 145, MedGen C0677776, MeSH D061325, MONDO:0003582. Disease mechanism: loss of function.

Submission:

Labcorp Genetics (formerly Invitae), Labcorp
Classification: Uncertain significance for Hereditary breast ovarian cancer syndrome. Last evaluated: 2024-02-22. Review status: criteria provided, single submitter. Criteria: Invitae Variant Classification Sherloc (09022015). Collection method: clinical testing. Allele origin: germline.
Comment: This sequence change replaces alanine, which is neutral and non-polar, with threonine, which is neutral and polar, at codon 887 of the BRCA1 protein (p.Ala887Thr). This variant is not present in population databases (gnomAD no frequency). This variant has not been reported in the literature in individuals affected with BRCA1-related conditions. Advanced modeling of protein sequence and biophysical properties (such as structural, functional, and spatial information, amino acid conservation, physicochemical variation, residue mobility, and thermodynamic stability) performed at Invitae indicates that this missense variant is not expected to disrupt BRCA1 protein function with a negative predictive value of 95%. In summary, the available evidence is currently insufficient to determine the role of this variant in disease. Therefore, it has been classified as a Variant of Uncertain Significance.

NM_007294.4(BRCA1):c.2659G>A (p.Ala887Thr)

Gene: BRCA1 (BRCA1 DNA repair associated; minus strand). Cytogenetic location: 17q21.31.
Variant type: single nucleotide variant.
Coding change: c.2659G>A on transcript NM_007294.4 (MANE Select); coding-DNA position 2659, G replaced by A.
Protein change: p.Ala887Thr; replaces alanine 887 with threonine.
Molecular consequence: missense variant. On other transcripts: intron variant (137).
Genome position (GRCh38, 1-based): chr17:43,092,872, C>T on the plus strand (G>A on the coding strand, the complement: BRCA1 is on the minus strand). VCF-style: chr17-43092872-C-T. GRCh37 (hg19) VCF-style: chr17-41244889-C-T.
Other names: c.2581G>A, p.Ala861Thr (NM_001407654.1, NM_001407655.1, NM_001407656.1 and 4 more transcripts); c.2578G>A, p.Ala860Thr (NM_001407660.1, NM_001407661.1, NM_001407659.1 and 1 more transcripts); c.2536G>A, p.Ala846Thr (NM_001407664.1, NM_001407665.1, NM_001407667.1 and 19 more transcripts); c.2533G>A, p.Ala845Thr (NM_001407670.1, NM_001407649.1, NM_001407671.1 and 11 more transcripts); c.2446G>A, p.Ala816Thr (NM_001407571.1, NM_001407853.1, NM_001407894.1 and 9 more transcripts); c.2659G>A, p.Ala887Thr (NM_001407581.1, NM_001407582.1, NM_001407583.1 and 30 more transcripts); c.2656G>A, p.Ala886Thr (NM_001407587.1, NM_001407590.1, NM_001407591.1 and 22 more transcripts); c.2650G>A, p.Ala884Thr (NM_001407646.1, NM_001407647.1); and 41 more; short protein forms A799T, A840T, A846T, A719T, A845T, A860T, A884T, A886T.
Identifiers: ClinVar variation 3634665 (VCV003634665.2).